The following is an entry in ClinVar:

NM_001267550.2(TTN):c.65067C>A (p.Ser21689Arg)

Genes: TTN (titin; minus strand), TTN-AS1 (TTN antisense RNA 1; plus strand). Cytogenetic location: 2q31.2.
Variant type: single nucleotide variant.
Coding change: c.65067C>A on transcript NM_001267550.2 (MANE Select); coding-DNA position 65067, C replaced by A.
Protein change: p.Ser21689Arg; replaces serine 21689 with arginine.
Molecular consequence: missense variant.
Genome position (GRCh38, 1-based): chr2:178,584,484, G>T on the plus strand (C>A on the coding strand, the complement: TTN is on the minus strand). VCF-style: chr2-178584484-G-T. GRCh37 (hg19) VCF-style: chr2-179449211-G-T.
Other names: c.60144C>A, p.Ser20048Arg (NM_001256850.1); c.37872C>A, p.Ser12624Arg (NM_003319.4); c.57363C>A, p.Ser19121Arg (NM_133378.4); c.38247C>A, p.Ser12749Arg (NM_133432.3); c.38448C>A, p.Ser12816Arg (NM_133437.4); short protein forms S12624R, S12749R, S12816R, S19121R, S20048R, S21689R.
Identifiers: ClinVar variation 3026501 (VCV003026501.22), dbSNP rs2048496423, ClinGen allele CA349435480.

ClinVar aggregate classification (germline): Uncertain significance (1 of 4 stars; one submission).

Submission:

CeGaT Center for Human Genetics Tuebingen
Classification: Uncertain significance. Last evaluated: 2024-01-01. Review status: criteria provided, single submitter. Criteria: CeGaT Center For Human Genetics Tuebingen Variant Classification Criteria Version 2. Collection method: clinical testing. Allele origin: germline. Affected: yes. Observed: 1 variant allele.
Comment: TTN: PM2